The following is an entry in ClinVar:

NM_145207.3(AFG2A):c.1653G>C (p.Gln551His)

Gene: AFG2A (AFG2 AAA ATPase homolog A; plus strand). Cytogenetic location: 4q28.1.
Variant type: single nucleotide variant.
Coding change: c.1653G>C on transcript NM_145207.3 (MANE Select); coding-DNA position 1653, G replaced by C.
Protein change: p.Gln551His; replaces glutamine 551 with histidine.
Molecular consequence: missense variant.
Genome position (GRCh38, 1-based): chr4:122,947,427, G>C. VCF-style: chr4-122947427-G-C. GRCh37 (hg19) VCF-style: chr4-123868582-G-C.
Other names: c.1650G>C, p.Gln550His (NM_001317799.2, NM_001345856.2); short protein forms Q550H, Q551H.
Identifiers: ClinVar variation 1315482 (VCV001315482.3), dbSNP rs1232295775, ClinGen allele CA358108427.
Genomic context (GRCh38, chr4:122,947,427, plus strand): 5'-TATTCTCCAGAAACTGCTTCGAAGGGTACCCCATTTGCTCACTGAGGCTGAGCTGCTGCA[G>C]CTGGCAAATAGTGCTCATGGATACGTTGGAGCAGACTTGAAAGTCTTGTGTAATGAAGCA-3'
Protein context (NP_660208.2, residues 541-561): PHLLTEAELL[Gln551His]LANSAHGYVG

ClinVar aggregate classification (germline): Uncertain significance (1 of 4 stars; one submission).

Allele frequency attached by ClinVar (database versions not stated): gnomAD exomes below 0.00001; gnomAD 0.00001; TOPMed 0.00001.
gnomAD v4.1: 13 of 1,614,038 alleles (0.00081%); highest among the groups gnomAD compares: Non-Finnish European, 0.0011%; no homozygotes.

Submission:

GeneDx
Classification: Uncertain significance. Last evaluated: 2020-02-26. Review status: criteria provided, single submitter. Criteria: GeneDx Variant Classification Process June 2021. Collection method: clinical testing. Allele origin: germline. Affected: yes.
Comment: Not observed at a significant frequency in large population cohorts (Lek et al., 2016); In silico analysis supports that this missense variant does not alter protein structure/function; Has not been previously published as pathogenic or benign to our knowledge